The following is an entry in ClinVar:

NC_000001.10:g.(?_874400)_(879533_?)dup

Gene: SAMD11 (sterile alpha motif domain containing 11; plus strand). Cytogenetic location: 1p36.33.
Variant type: Duplication.
Identifiers: ClinVar variation 2427391 (VCV002427391.3).

ClinVar aggregate classification (germline): Uncertain significance (1 of 4 stars; one submission).

Submission:

Labcorp Genetics (formerly Invitae), Labcorp
Classification: Uncertain significance. Last evaluated: 2022-07-18. Review status: criteria provided, single submitter. Criteria: Invitae Variant Classification Sherloc (09022015). Collection method: clinical testing. Allele origin: germline.
Comment: In summary, the available evidence is currently insufficient to determine the role of this variant in disease. Therefore, it has been classified as a Variant of Uncertain Significance. Experimental studies and prediction algorithms are not available or were not evaluated, and the functional significance of this variant is currently unknown. This variant has not been reported in the literature in individuals affected with SAMD11-related conditions. This variant results in a copy number gain of the genomic region encompassing exon(s) 6-14 of the SAMD11 gene. This region includes the termination codon of the gene. This copy number gain extends beyond the assayed region for this gene and therefore may encompass additional genes. As the precise location of this event is unknown, it may be in tandem or it may be located elsewhere in the genome.